The following is an entry in ClinVar:

ClinVar aggregate classification (germline): Uncertain significance (1 of 4 stars; one submission).

Conditions:
Autoimmune interstitial lung disease-arthritis syndrome. Also called: Autoinflammation and autoimmunity, systemic, with immune dysregulation. Identifiers: Orphanet 444092, MedGen C5975714, MONDO:0014629.

Submission:

Labcorp Genetics (formerly Invitae), Labcorp
Classification: Uncertain significance for Autoimmune interstitial lung disease-arthritis syndrome. Last evaluated: 2022-10-31. Review status: criteria provided, single submitter. Criteria: Invitae Variant Classification Sherloc (09022015). Collection method: clinical testing. Allele origin: germline.
Comment: This sequence change replaces glycine, which is neutral and non-polar, with aspartic acid, which is acidic and polar, at codon 360 of the COPA protein (p.Gly360Asp). This variant is not present in population databases (gnomAD no frequency). This variant has not been reported in the literature in individuals affected with COPA-related conditions. Algorithms developed to predict the effect of missense changes on protein structure and function are either unavailable or do not agree on the potential impact of this missense change (SIFT: "Tolerated"; PolyPhen-2: "Possibly Damaging"; Align-GVGD: "Class C25"). In summary, the available evidence is currently insufficient to determine the role of this variant in disease. Therefore, it has been classified as a Variant of Uncertain Significance.

NM_004371.4(COPA):c.1079G>A (p.Gly360Asp)

Gene: COPA (coat protein complex I subunit alpha; minus strand). Cytogenetic location: 1q23.2.
Variant type: single nucleotide variant.
Coding change: c.1079G>A on transcript NM_004371.4 (MANE Select); coding-DNA position 1079, G replaced by A.
Protein change: p.Gly360Asp; replaces glycine 360 with aspartic acid.
Molecular consequence: missense variant.
Genome position (GRCh38, 1-based): chr1:160,310,256, C>T on the plus strand (G>A on the coding strand, the complement: COPA is on the minus strand). VCF-style: chr1-160310256-C-T. GRCh37 (hg19) VCF-style: chr1-160280046-C-T.
Other names: c.1079G>A, p.Gly360Asp (NM_001098398.2); short protein forms G360D.
Identifiers: ClinVar variation 2810793 (VCV002810793.3), dbSNP rs2525399650, ClinGen allele CA343260207.
Genomic context (GRCh38, chr1:160,310,256, plus strand): 5'-CAAAGCAGGACTGCATTTTCTGCTGGATTGTATGACATATTGAATACTGGAAACTTGGAA[C>T]CACTAGAGATATATATAGAAAAAGGAGAAAACAGGGAAGAGGCATAAGAATAGAAGGAAG-3'
Protein context (NP_004362.2, residues 350-370): KDVAVMQLRS[Gly360Asp]SKFPVFNMSY